The following is an entry in ClinVar:

ClinVar aggregate classification (germline): Uncertain significance (1 of 4 stars; one submission).

Submission:

Labcorp Genetics (formerly Invitae), Labcorp
Classification: Uncertain significance. Last evaluated: 2022-05-25. Review status: criteria provided, single submitter. Criteria: Invitae Variant Classification Sherloc (09022015). Collection method: clinical testing. Allele origin: germline.
Comment: This variant is not present in population databases (gnomAD no frequency). This sequence change replaces valine, which is neutral and non-polar, with methionine, which is neutral and non-polar, at codon 1291 of the SPEG protein (p.Val1291Met). In summary, the available evidence is currently insufficient to determine the role of this variant in disease. Therefore, it has been classified as a Variant of Uncertain Significance. Algorithms developed to predict the effect of missense changes on protein structure and function are either unavailable or do not agree on the potential impact of this missense change (SIFT: "Deleterious"; PolyPhen-2: "Probably Damaging"; Align-GVGD: "Class C0"). This variant has not been reported in the literature in individuals affected with SPEG-related conditions.

NM_005876.5(SPEG):c.3871G>A (p.Val1291Met)

Gene: SPEG (striated muscle enriched protein kinase; plus strand). Cytogenetic location: 2q35.
Variant type: single nucleotide variant.
Coding change: c.3871G>A on transcript NM_005876.5 (MANE Select); coding-DNA position 3871, G replaced by A.
Protein change: p.Val1291Met; replaces valine 1291 with methionine.
Molecular consequence: missense variant.
Genome position (GRCh38, 1-based): chr2:219,472,262, G>A. VCF-style: chr2-219472262-G-A. GRCh37 (hg19) VCF-style: chr2-220336984-G-A.
Other names: short protein forms V1291M.
Identifiers: ClinVar variation 2095482 (VCV002095482.4), dbSNP rs775909361, ClinGen allele CA350751568.